The following is an entry in ClinVar:

ClinVar aggregate classification (germline): Uncertain significance (1 of 4 stars; one submission).

Conditions:
Adams-Oliver syndrome 5 (AOS5). Identifiers: Orphanet 974, MedGen C4014970, MONDO:0014459, OMIM 616028.

gnomAD v4.1: 1 of 1,613,060 alleles (0.000062%); highest among the groups gnomAD compares: Non-Finnish European, 0.000085%; no homozygotes.

Submission:

Labcorp Genetics (formerly Invitae), Labcorp
Classification: Uncertain significance for Adams-Oliver syndrome 5. Last evaluated: 2022-04-25. Review status: criteria provided, single submitter. Criteria: Invitae Variant Classification Sherloc (09022015). Collection method: clinical testing. Allele origin: germline.
Comment: This missense change has been observed in individual(s) with clinical features of NOTCH1-related conditions (PMID: 30919572). Advanced modeling of protein sequence and biophysical properties (such as structural, functional, and spatial information, amino acid conservation, physicochemical variation, residue mobility, and thermodynamic stability) performed at Invitae indicates that this missense variant is not expected to disrupt NOTCH1 protein function. In summary, the available evidence is currently insufficient to determine the role of this variant in disease. Therefore, it has been classified as a Variant of Uncertain Significance. This variant is not present in population databases (gnomAD no frequency). This sequence change replaces proline, which is neutral and non-polar, with serine, which is neutral and polar, at codon 649 of the NOTCH1 protein (p.Pro649Ser).

Literature cited by the submitters: PubMed 30919572.

NM_017617.5(NOTCH1):c.1945C>T (p.Pro649Ser)

Gene: NOTCH1 (notch receptor 1; minus strand). Cytogenetic location: 9q34.3.
Variant type: single nucleotide variant.
Coding change: c.1945C>T on transcript NM_017617.5 (MANE Select); coding-DNA position 1945, C replaced by T.
Protein change: p.Pro649Ser; replaces proline 649 with serine.
Molecular consequence: missense variant.
Genome position (GRCh38, 1-based): chr9:136,515,359, G>A on the plus strand (C>T on the coding strand, the complement: NOTCH1 is on the minus strand). VCF-style: chr9-136515359-G-A. GRCh37 (hg19) VCF-style: chr9-139409811-G-A.
Other names: short protein forms P649S.
Identifiers: ClinVar variation 2173301 (VCV002173301.4), dbSNP rs780710009, ClinGen allele CA201587020.